The following is an entry in ClinVar:

NM_001042681.2(RERE):c.4195G>C (p.Glu1399Gln)

Gene: RERE (arginine-glutamic acid dipeptide repeats; minus strand). Cytogenetic location: 1p36.23.
Variant type: single nucleotide variant.
Coding change: c.4195G>C on transcript NM_001042681.2 (MANE Select); coding-DNA position 4195, G replaced by C.
Protein change: p.Glu1399Gln; replaces glutamic acid 1399 with glutamine.
Molecular consequence: missense variant.
Genome position (GRCh38, 1-based): chr1:8,358,340, C>G on the plus strand (G>C on the coding strand, the complement: RERE is on the minus strand). VCF-style: chr1-8358340-C-G. GRCh37 (hg19) VCF-style: chr1-8418400-C-G.
Other names: c.2533G>C, p.Glu845Gln (NM_001042682.2); c.4195G>C, p.Glu1399Gln (NM_012102.4); short protein forms E1399Q, E845Q.
Identifiers: ClinVar variation 1693313 (VCV001693313.3), dbSNP rs765164005, ClinGen allele CA570873.
Genomic context (GRCh38, chr1:8,358,340, plus strand): 5'-TCTGCAGTCGGGCCAGGGGATCGCTGGTCAGCGATGCCATGCGCTCTGCGTGGATACGCT[C>G]GGCTGCCAGTCTGTCAGGGTAGCTCATCTCGGGCCGCAGCTGGGGGCCCGCCAGGGCCAG-3'
Protein context (NP_001036146.1, residues 1389-1409): EMSYPDRLAA[Glu1399Gln]RIHAERMASL

ClinVar aggregate classification (germline): Uncertain significance. Review status: criteria provided, multiple submitters, no conflicts (2 of 4 stars). 2 submissions from 2 submitters: Uncertain significance (2). Last evaluated 2025-04-10.

Conditions:
Inborn genetic diseases. Identifiers: MedGen C0950123, MeSH D030342.

Allele frequency attached by ClinVar (database versions not stated): gnomAD 0.00004 and 0.00003; gnomAD exomes 0.00001; TOPMed 0.00003.
gnomAD v4.1: 82 of 1,612,322 alleles (0.0051%); highest among the groups gnomAD compares: Non-Finnish European, 0.0066%; no homozygotes.

Submissions (2):

Ambry Genetics
Classification: Uncertain significance for Inborn genetic diseases. Last evaluated: 2025-04-10. Review status: criteria provided, single submitter. Criteria: Ambry Variant Classification Scheme 2023. Collection method: clinical testing. Allele origin: germline.

GeneDx
Classification: Uncertain significance. Last evaluated: 2022-06-06. Review status: criteria provided, single submitter. Criteria: GeneDx Variant Classification Process June 2021. Collection method: clinical testing. Allele origin: germline. Affected: yes.
Comment: In silico analysis supports that this missense variant does not alter protein structure/function; Has not been previously published as pathogenic or benign to our knowledge